The following is an entry in ClinVar:

NM_000494.4(COL17A1):c.1213G>T (p.Glu405Ter)

Gene: COL17A1 (collagen type XVII alpha 1 chain; minus strand). Cytogenetic location: 10q25.1.
Variant type: single nucleotide variant.
Coding change: c.1213G>T on transcript NM_000494.4 (MANE Select); coding-DNA position 1213, G replaced by T.
Protein change: p.Glu405Ter; replaces glutamic acid 405 with a stop codon.
Molecular consequence: nonsense.
Genome position (GRCh38, 1-based): chr10:104,059,647, C>A on the plus strand (G>T on the coding strand, the complement: COL17A1 is on the minus strand). VCF-style: chr10-104059647-C-A. GRCh37 (hg19) VCF-style: chr10-105819405-C-A.
Other names: short protein forms E405*.
Identifiers: ClinVar variation 2766595 (VCV002766595.3), dbSNP rs75290777, ClinGen allele CA378074300.

ClinVar aggregate classification (germline): Pathogenic (1 of 4 stars; one submission).

Submission:

Labcorp Genetics (formerly Invitae), Labcorp
Classification: Pathogenic. Last evaluated: 2023-10-06. Review status: criteria provided, single submitter. Criteria: Invitae Variant Classification Sherloc (09022015). Collection method: clinical testing. Allele origin: germline.
Comment: This sequence change creates a premature translational stop signal (p.Glu405*) in the COL17A1 gene. It is expected to result in an absent or disrupted protein product. Loss-of-function variants in COL17A1 are known to be pathogenic (PMID: 16473856, 17344927, 20301304, 21357940, 24319098). This variant is not present in population databases (gnomAD no frequency). This variant has not been reported in the literature in individuals affected with COL17A1-related conditions. Algorithms developed to predict the effect of sequence changes on RNA splicing suggest that this variant may disrupt the consensus splice site. For these reasons, this variant has been classified as Pathogenic.

Literature cited by the submitters: PubMed 16473856; PubMed 17344927; PubMed 20301304; PubMed 21357940; PubMed 24319098.